The following is an entry in ClinVar:

NM_000393.5(COL5A2):c.*476T>C

Gene: COL5A2 (collagen type V alpha 2 chain; minus strand). Cytogenetic location: 2q32.2.
Variant type: single nucleotide variant.
Coding change: c.*476T>C on transcript NM_000393.5 (MANE Select); 476 bases downstream of the stop codon, T replaced by C.
Molecular consequence: 3 prime UTR variant.
Genome position (GRCh38, 1-based): chr2:189,033,594, A>G on the plus strand (T>C on the coding strand, the complement: COL5A2 is on the minus strand). VCF-style: chr2-189033594-A-G. GRCh37 (hg19) VCF-style: chr2-189898320-A-G.
Identifiers: ClinVar variation 899249 (VCV000899249.4), dbSNP rs138670180, ClinGen allele CA62579770.

ClinVar aggregate classification (germline): Benign (1 of 4 stars; one submission).

Conditions:
Ehlers-Danlos syndrome, classic type, 2 (EDSCL2). Also called: Ehlers-Danlos syndrome, type 2; Ehlers-Danlos syndrome type 2 (formerly); Ehlers-Danlos Syndrome, Classic Type, COL5A2-Related. Identifiers: Orphanet 287, Orphanet 90318, MedGen C0268336, MONDO:0019568, OMIM 130010.

Allele frequency attached by ClinVar (database versions not stated): gnomAD 0.00689 and 0.00630; gnomAD exomes 0.00044; 1000 Genomes Project 30x 0.00515; 1000 Genomes Project 0.00539; TOPMed 0.00712.
gnomAD v4.1: 961 of 173,730 alleles (0.55%); highest among the groups gnomAD compares: African/African-American, 2.1%; 8 homozygotes.

Submission:

Illumina Laboratory Services, Illumina
Classification: Benign for Ehlers-Danlos syndrome, classic type, 2. Last evaluated: 2018-01-13. Review status: criteria provided, single submitter. Criteria: ICSL Variant Classification Criteria 13 December 2019. Collection method: clinical testing. Allele origin: germline.
Comment: This variant was observed in the ICSL laboratory as part of a predisposition screen in an ostensibly healthy population. It had not been previously curated by ICSL or reported in the Human Gene Mutation Database (HGMD: prior to June 1st, 2018), and was therefore a candidate for classification through an automated scoring system. Utilizing variant allele frequency, disease prevalence and penetrance estimates, and inheritance mode, an automated score was calculated to assess if this variant is too frequent to cause the disease. Based on the score and internal cut-off values, a variant classified as benign is not then subjected to further curation. The score for this variant resulted in a classification of benign for this disease.